The following is an entry in ClinVar:

ClinVar aggregate classification (germline): Benign/Likely benign. Review status: criteria provided, multiple submitters, no conflicts (2 of 4 stars). 7 submissions from 7 submitters: Benign (6); Likely benign (1). Last evaluated 2026-07-01.

Allele frequency attached by ClinVar (database versions not stated): 1000 Genomes Project 30x 0.00109; 1000 Genomes Project 0.00120; TOPMed 0.00592; ExAC 0.00604; gnomAD 0.00634; ESP Exome Variant Server 0.00769.
gnomAD v4.1: 12,398 of 1,610,170 alleles (0.77%); highest among the groups gnomAD compares: Non-Finnish European, 0.95%; 75 homozygotes.

Submissions (7):

CeGaT Center for Human Genetics Tuebingen
Classification: Likely benign. Last evaluated: 2026-07-01. Review status: criteria provided, single submitter. Criteria: CeGaT Center For Human Genetics Tuebingen Variant Classification Criteria Version 2. Collection method: clinical testing. Allele origin: germline. Affected: yes. Observed: 13 variant alleles.
Comment: EPS8: BS2

Labcorp Genetics (formerly Invitae), Labcorp
Classification: Benign. Last evaluated: 2026-01-27. Review status: criteria provided, single submitter. Criteria: Invitae Variant Classification Sherloc (09022015). Collection method: clinical testing. Allele origin: germline.

Mayo Clinic Laboratories, Mayo Clinic
Classification: Benign. Last evaluated: 2022-04-13. Review status: criteria provided, single submitter. Criteria: ACMG Guidelines, 2015. Collection method: clinical testing. Allele origin: germline. Observed: 2 variant alleles.
Comment: BA1, BS1, BS2

GeneDx
Classification: Benign. Last evaluated: 2018-06-21. Review status: criteria provided, single submitter. Criteria: GeneDx Variant Classification Process June 2021. Collection method: clinical testing. Allele origin: germline. Affected: yes.

Eurofins Ntd Llc (ga)
Classification: Benign. Last evaluated: 2017-11-30. Review status: criteria provided, single submitter. Criteria: EGL Classification Definitions 2015. Collection method: clinical testing. Allele origin: germline. Observed: 1 variant allele, 1 heterozygote.

Laboratory for Molecular Medicine, Mass General Brigham Personalized Medicine
Classification: Benign. Last evaluated: 2017-08-23. Review status: criteria provided, single submitter. Criteria: LMM Criteria. Collection method: clinical testing. Allele origin: germline. Observed: 1 variant allele.
Comment: p.Ala705Thr in exon 19 of EPS8: This variant is not expected to have clinical si gnificance because it has been identified in 0.92% (607/65806) of European chrom osomes by the Exome Aggregation Consortium (ExAC ; dbSNP rs78763451).

Breakthrough Genomics
Classification: Benign. Review status: criteria provided, single submitter. Criteria: ACMG Guidelines, 2015. Collection method: not provided. Allele origin: germline. Inheritance: Autosomal recessive inheritance. Affected: yes.

NM_004447.6(EPS8):c.2113G>A (p.Ala705Thr)

Gene: EPS8 (EGFR pathway substrate 8, signaling adaptor; minus strand). Cytogenetic location: 12p12.3.
Variant type: single nucleotide variant.
Coding change: c.2113G>A on transcript NM_004447.6 (MANE Select); coding-DNA position 2113, G replaced by A.
Protein change: p.Ala705Thr; replaces alanine 705 with threonine.
Molecular consequence: missense variant.
Genome position (GRCh38, 1-based): chr12:15,624,339, C>T on the plus strand (G>A on the coding strand, the complement: EPS8 is on the minus strand). VCF-style: chr12-15624339-C-T. GRCh37 (hg19) VCF-style: chr12-15777273-C-T.
Other names: short protein forms A705T.
Identifiers: ClinVar variation 508572 (VCV000508572.45), dbSNP rs78763451, ClinGen allele CA6467353.